The following is an entry in ClinVar:

ClinVar aggregate classification (germline): Benign/Likely benign. Review status: criteria provided, multiple submitters, no conflicts (2 of 4 stars). 6 submissions from 5 submitters: Benign (2); Likely benign (4). Last evaluated 2026-01-23.

Conditions:
Achromatopsia. Also called: Rod monochromatism. Identifiers: Orphanet 49382, MedGen C0152200, MONDO:0018852, HP:0011516.
Cone dystrophy 4 (COD4). Identifiers: Orphanet 49382, MedGen C2751308, MONDO:0013129, OMIM 613093.

Allele frequency attached by ClinVar (database versions not stated): gnomAD exomes 0.00173; ExAC 0.00208; gnomAD 0.00623 and 0.00670; TOPMed 0.00679; ESP Exome Variant Server 0.00746; 1000 Genomes Project 0.00899; 1000 Genomes Project 30x 0.01015.
gnomAD v4.1: 1,926 of 1,613,968 alleles (0.12%); highest among the groups gnomAD compares: African/African-American, 2.2%; 25 homozygotes.

Submissions (6):

Labcorp Genetics (formerly Invitae), Labcorp
Classification: Benign. Last evaluated: 2026-01-23. Review status: criteria provided, single submitter. Criteria: Invitae Variant Classification Sherloc (09022015). Collection method: clinical testing. Allele origin: germline.

Blueprint Genetics
Classification: Likely benign. Last evaluated: 2024-11-13. Review status: criteria provided, single submitter. Criteria: ACMG Guidelines, 2015. Collection method: clinical testing. Allele origin: germline.

Illumina Laboratory Services, Illumina
Classification: Likely benign for Achromatopsia. Last evaluated: 2018-01-13. Review status: criteria provided, single submitter. Criteria: ICSL Variant Classification Criteria 13 December 2019. Collection method: clinical testing. Allele origin: germline.
Comment: This variant was observed in the ICSL laboratory as part of a predisposition screen in an ostensibly healthy population. It had not been previously curated by ICSL or reported in the Human Gene Mutation Database (HGMD: prior to June 1st, 2018), and was therefore a candidate for classification through an automated scoring system. Utilizing variant allele frequency, disease prevalence and penetrance estimates, and inheritance mode, an automated score was calculated to assess if this variant is too frequent to cause the disease. Based on the score and internal cut-off values, a variant classified as likely benign is not then subjected to further curation. The score for this variant resulted in a classification of likely benign for this disease.

Illumina Laboratory Services, Illumina
Classification: Likely benign for Cone dystrophy 4. Last evaluated: 2018-01-13. Review status: criteria provided, single submitter. Criteria: ICSL Variant Classification Criteria 13 December 2019. Collection method: clinical testing. Allele origin: germline.
Comment: the same text as in the submission from Illumina Laboratory Services, Illumina above.

Breakthrough Genomics
Classification: Likely benign. Review status: criteria provided, single submitter. Criteria: ACMG Guidelines, 2015. Collection method: not provided. Allele origin: germline. Inheritance: Autosomal recessive inheritance. Affected: yes.

PreventionGenetics, part of Exact Sciences
Classification: Benign. Review status: criteria provided, single submitter. Criteria: ACMG Guidelines, 2015. Collection method: clinical testing. Allele origin: germline.

NM_006204.4(PDE6C):c.203C>T (p.Thr68Ile)

Gene: PDE6C (phosphodiesterase 6C; plus strand). Cytogenetic location: 10q23.33.
Variant type: single nucleotide variant.
Coding change: c.203C>T on transcript NM_006204.4 (MANE Select); coding-DNA position 203, C replaced by T.
Protein change: p.Thr68Ile; replaces threonine 68 with isoleucine.
Molecular consequence: missense variant.
Genome position (GRCh38, 1-based): chr10:93,612,928, C>T. VCF-style: chr10-93612928-C-T. GRCh37 (hg19) VCF-style: chr10-95372685-C-T.
Other names: short protein forms T68I.
Identifiers: ClinVar variation 259944 (VCV000259944.18), dbSNP rs62642544, ClinGen allele CA5609775.
Genomic context (GRCh38, chr10:93,612,928, plus strand): 5'-TGTCCTTCTCTGAGCTGACCCAGGTGGAGGAGTCAGCCCTGTGCTTGGAGCTGCTGTGGA[C>T]CGTGCAGGAGGAGGGGGGCACCCCAGAGCAGGGGGTTCACAGGGCCCTGCAGAGGCTGGC-3'
Protein context (NP_006195.3, residues 58-78): ESALCLELLW[Thr68Ile]VQEEGGTPEQ